The following is an entry in ClinVar:

ClinVar aggregate classification (germline): Uncertain significance (1 of 4 stars; one submission).

Conditions:
Baller-Gerold syndrome (BGS). Also called: CRANIOSYNOSTOSIS WITH RADIAL DEFECTS. Identifiers: Orphanet 1225, MedGen C0265308, MONDO:0009039, OMIM 218600.

Submission:

Labcorp Genetics (formerly Invitae), Labcorp
Classification: Uncertain significance for Baller-Gerold syndrome. Last evaluated: 2024-10-28. Review status: criteria provided, single submitter. Criteria: Invitae Variant Classification Sherloc (09022015). Collection method: clinical testing. Allele origin: germline.
Comment: This sequence change replaces valine, which is neutral and non-polar, with glycine, which is neutral and non-polar, at codon 1176 of the RECQL4 protein (p.Val1176Gly). This variant is not present in population databases (gnomAD no frequency). This variant has not been reported in the literature in individuals affected with RECQL4-related conditions. Invitae Evidence Modeling of protein sequence and biophysical properties (such as structural, functional, and spatial information, amino acid conservation, physicochemical variation, residue mobility, and thermodynamic stability) indicates that this missense variant is expected to disrupt RECQL4 protein function with a positive predictive value of 80%. In summary, the available evidence is currently insufficient to determine the role of this variant in disease. Therefore, it has been classified as a Variant of Uncertain Significance.

NM_004260.4(RECQL4):c.3527T>G (p.Val1176Gly)

Gene: RECQL4 (RecQ like helicase 4; minus strand). Cytogenetic location: 8q24.3.
Variant type: single nucleotide variant.
Coding change: c.3527T>G on transcript NM_004260.4 (MANE Select); coding-DNA position 3527, T replaced by G.
Protein change: p.Val1176Gly; replaces valine 1176 with glycine.
Molecular consequence: missense variant. On other transcripts: non-coding transcript variant (3).
Genome position (GRCh38, 1-based): chr8:144,511,531, A>C on the plus strand (T>G on the coding strand, the complement: RECQL4 is on the minus strand). VCF-style: chr8-144511531-A-C. GRCh37 (hg19) VCF-style: chr8-145736914-A-C.
Other names: c.2456T>G, p.Val819Gly (NM_001413035.1, NM_001413040.1, NM_001413021.1 and 4 more transcripts); c.3536T>G, p.Val1179Gly (NM_001413036.1); c.2324T>G, p.Val775Gly (NM_001413037.1); c.2258T>G, p.Val753Gly (NM_001413038.1, NM_001413031.1); c.3497T>G, p.Val1166Gly (NM_001413039.1); c.2465T>G, p.Val822Gly (NM_001413041.1); c.2426T>G, p.Val809Gly (NM_001413042.1); c.2060T>G, p.Val687Gly (NM_001413043.1); and 9 more; short protein forms V1059G, V1110G, V1132G, V1144G, V1176G, V1201G, V822G, V1078G.
Identifiers: ClinVar variation 3665607 (VCV003665607.2).